The following is an entry in ClinVar:

ClinVar aggregate classification (germline): Pathogenic/Likely pathogenic. Review status: criteria provided, multiple submitters, no conflicts (2 of 4 stars). 2 submissions from 2 submitters: Pathogenic (1); Likely pathogenic (1). Last evaluated 2024-02-04.

Conditions:
Finnish congenital nephrotic syndrome (NPHS1). Also called: NEPHROTIC SYNDROME, TYPE 1. Identifiers: Orphanet 839, MedGen C0403399, MONDO:0009732, OMIM 256300.

Submissions (2):

Baylor Genetics
Classification: Likely pathogenic for Finnish congenital nephrotic syndrome. Last evaluated: 2024-02-04. Review status: criteria provided, single submitter. Criteria: ACMG Guidelines, 2015. Collection method: clinical testing. Allele origin: unknown.

Labcorp Genetics (formerly Invitae), Labcorp
Classification: Pathogenic. Last evaluated: 2023-07-06. Review status: criteria provided, single submitter. Criteria: Invitae Variant Classification Sherloc (09022015). Collection method: clinical testing. Allele origin: germline.
Comment: For these reasons, this variant has been classified as Pathogenic. This variant has not been reported in the literature in individuals affected with NPHS1-related conditions. This variant is not present in population databases (gnomAD no frequency). This sequence change creates a premature translational stop signal (p.Arg511Profs*37) in the NPHS1 gene. It is expected to result in an absent or disrupted protein product. Loss-of-function variants in NPHS1 are known to be pathogenic (PMID: 11317351, 11854170, 12039988).

Literature cited by the submitters: PubMed 11317351 (cited by Labcorp Genetics (formerly Invitae), Labcorp); PubMed 11854170 (cited by Labcorp Genetics (formerly Invitae), Labcorp); PubMed 12039988 (cited by Labcorp Genetics (formerly Invitae), Labcorp).

NM_004646.4(NPHS1):c.1531dup (p.Arg511fs)

Gene: NPHS1 (NPHS1 adhesion molecule, nephrin; minus strand). Cytogenetic location: 19q13.12.
Variant type: Duplication.
Coding change: c.1531dup on transcript NM_004646.4 (MANE Select); coding-DNA position 1531, one base duplicated (C; older notation c.1531dupC).
Protein change: p.Arg511fs; shifts the reading frame from arginine 511.
Molecular consequence: frameshift variant.
Genome position (GRCh38, 1-based): chr19:35,846,104, G duplicated on the plus strand (C on the coding strand, the reverse complement: NPHS1 is on the minus strand); the first of 3 consecutive G bases (chr19:35,846,104-35,846,106); duplicating any one gives the same sequence. VCF-style (leftmost placement, unchanged base first): chr19-35846103-C-CG. GRCh37 (hg19) VCF-style: chr19-36337005-C-CG.
Other names: short protein forms R511fs.
Identifiers: ClinVar variation 2736164 (VCV002736164.4), dbSNP rs2513774352, ClinGen allele CA2697556472.